The following is an entry in ClinVar:

NM_198252.3(GSN):c.1762+2T>C

Gene: GSN (gelsolin; plus strand). Cytogenetic location: 9q33.2.
Variant type: single nucleotide variant.
Coding change: c.1762+2T>C on transcript NM_198252.3 (MANE Select); the canonical splice donor site of the intron after coding-DNA position 1762, T replaced by C.
Molecular consequence: splice donor variant.
Genome position (GRCh38, 1-based): chr9:121,327,484, T>C. VCF-style: chr9-121327484-T-C. GRCh37 (hg19) VCF-style: chr9-124089762-T-C.
Other names: c.1762+2T>C (NM_001353054.1, NM_001353053.1, NM_001353060.2 and 10 more transcripts); c.1795+2T>C (NM_001353064.2, NM_001353066.2, NM_001353073.2 and 13 more transcripts); c.1870+2T>C (NM_001127663.2); c.1834+2T>C (NM_001353076.2); c.1108+2T>C (NM_001353078.2); c.1813+2T>C (NM_001258029.2); c.1786+2T>C (NM_001258030.2); c.1915+2T>C (NM_000177.5).
Identifiers: ClinVar variation 3596420 (VCV003596420.2).

ClinVar aggregate classification (germline): Uncertain significance. Review status: criteria provided, multiple submitters, no conflicts (2 of 4 stars). 2 submissions from 2 submitters: Uncertain significance (2). Last evaluated 2025-07-31.

Conditions:
Finnish type amyloidosis. Also called: AMYLOID CRANIAL NEUROPATHY WITH LATTICE CORNEAL DYSTROPHY; AMYLOIDOSIS DUE TO MUTANT GELSOLIN; Lattice corneal dystrophy associated with familial systemic amyloidosis; Meretoja's syndrome; Lattice dystrophy of the cornea with hereditary generalized amyloidosis; Amyloidosis, familial, Finnish type. Identifiers: Orphanet 85448, MedGen C1622345, MONDO:0007097, OMIM 105120.

gnomAD v4.1: 8 of 1,563,302 alleles (0.00051%); highest among the groups gnomAD compares: Non-Finnish European, 0.00052%; no homozygotes.

Submissions (2):

Mayo Clinic Laboratories, Mayo Clinic
Classification: Uncertain significance. Last evaluated: 2025-07-31. Review status: criteria provided, single submitter. Criteria: ACMG Guidelines, 2015. Collection method: clinical testing. Allele origin: germline. Observed: 1 variant allele.
Comment: PM2_supporting

Fulgent Genetics
Classification: Uncertain significance for Finnish type amyloidosis. Last evaluated: 2024-01-24. Review status: criteria provided, single submitter. Criteria: ACMG Guidelines, 2015. Collection method: clinical testing. Allele origin: germline.

Literature cited by the submitters: PubMed 29525180 (cited by Mayo Clinic Laboratories, Mayo Clinic).